The following is an entry in ClinVar:

NM_000535.7(PMS2):c.538-65_589delinsGCAACATCCAATTGGT

Gene: PMS2 (PMS1 homolog 2, mismatch repair system component; minus strand). Cytogenetic location: 7p22.1.
Variant type: Indel.
Coding change: c.538-65_589delinsGCAACATCCAATTGGT on transcript NM_000535.7 (MANE Select); 65 bases into the intron before coding-DNA position 538 through coding-DNA position 589, the reference bases replaced by GCAACATCCAATTGGT.
Molecular consequence: splice acceptor variant. On other transcripts: intron variant (6).
Genome position (GRCh38, 1-based): chr7:5,999,224-5,999,340, 117 bases replaced. GRCh37 (hg19): chr7:6,038,855-6,038,971.
Other names: c.220-65_271delinsGCAACATCCAATTGGT (NM_001322008.2, NM_001406902.1, NM_001406883.1 and 4 more transcripts); c.229-65_280delinsGCAACATCCAATTGGT (NM_001406881.1, NM_001406879.1, NM_001322015.2 and 6 more transcripts); c.133-65_184delinsGCAACATCCAATTGGT (NM_001406895.1, NM_001322010.2, NM_001322004.2 and 21 more transcripts); c.132+3113_132+3229delinsGCAACATCCAATTGGT (NM_001406911.1); c.133-1917_133-1801delinsGCAACATCCAATTGGT (NM_001322013.2, NM_001406909.1); c.-347-114_-345delinsGCAACATCCAATTGGT (NM_001322012.2, NM_001322011.2); c.251-114_253delinsGCAACATCCAATTGGT (NM_001406885.1); c.537+3113_537+3229delinsGCAACATCCAATTGGT (NM_001406886.1); and 5 more.
Identifiers: ClinVar variation 2674199 (VCV002674199.2), dbSNP rs2536320697, ClinGen allele CA2695198418.

ClinVar aggregate classification (germline): Likely pathogenic. Review status: criteria provided, multiple submitters, no conflicts (2 of 4 stars). 2 submissions from 2 submitters: Likely pathogenic (2). Last evaluated 2026-05-19.

Conditions:
Hereditary cancer-predisposing syndrome. Also called: Tumor predisposition; Hereditary neoplastic syndrome; Neoplastic Syndromes, Hereditary; Hereditary Cancer Syndrome. Identifiers: Orphanet 140162, MedGen C0027672, MeSH D009386, MONDO:0015356.
Lynch syndrome 4 (LYNCH4). Also called: Colorectal cancer, hereditary nonpolyposis, type 4; Hereditary non-polyposis colorectal cancer, type 4. Identifiers: Orphanet 144, MedGen C1838333, MONDO:0013699, OMIM 614337. Disease mechanism: loss of function.

Submissions (2):

Ambry Genetics
Classification: Likely pathogenic for Hereditary cancer-predisposing syndrome. Last evaluated: 2026-05-19. Review status: criteria provided, single submitter. Criteria: Ambry Variant Classification Scheme 2023. Collection method: clinical testing. Allele origin: germline.
Comment: The c.538-65_589del117ins16 variant results from a deletion of 117 nucleotides and insertion of 16 nucleotides at positions c.538-65 to c.589 and involves the canonical splice acceptor site before coding exon 6 of the PMS2 gene. The canonical splice acceptor site is highly conserved in available vertebrate species. In silico splice site analysis predicts that this alteration will weaken the native splice acceptor site; however, the exact impact of this variant on splicing and function is currently unknown. This variant is considered to be rare based on population cohorts in the Genome Aggregation Database (gnomAD). Variants that disrupt the canonical splice site are expected to cause aberrant splicing, resulting in an abnormal protein or a transcript that is subject to nonsense-mediated mRNA decay. As such, this variant is classified as likely pathogenic.

Myriad Genetics, Inc.
Classification: Likely pathogenic for Lynch syndrome 4. Last evaluated: 2023-09-19. Review status: criteria provided, single submitter. Criteria: Myriad Autosomal Dominant, Autosomal Recessive and X-Linked Classification Criteria (2023). Collection method: clinical testing. Allele origin: unknown.
Comment: This variant is considered likely pathogenic. This variant occurs within a consensus splice junction and is predicted to result in abnormal mRNA splicing of either an out-of-frame exon or an in-frame exon necessary for protein stability and/or normal function.